The following is an entry in ClinVar:

NM_020207.7(ERCC6L2):c.1696A>G (p.Ile566Val)

Gene: ERCC6L2 (ERCC excision repair 6 like 2; plus strand). Cytogenetic location: 9q22.32.
Variant type: single nucleotide variant.
Coding change: c.1696A>G on transcript NM_020207.7 (MANE Select); coding-DNA position 1696, A replaced by G.
Protein change: p.Ile566Val; replaces isoleucine 566 with valine.
Molecular consequence: missense variant. On other transcripts: non-coding transcript variant (1).
Genome position (GRCh38, 1-based): chr9:95,928,809, A>G. VCF-style: chr9-95928809-A-G. GRCh37 (hg19) VCF-style: chr9-98691091-A-G.
Other names: c.1696A>G, p.Ile566Val (NM_001010895.4, NM_001375291.1, NM_001375292.1 and 2 more transcripts); short protein forms I566V.
Identifiers: ClinVar variation 4844050 (VCV004844050.1).

ClinVar aggregate classification (germline): Uncertain significance (1 of 4 stars; one submission).

Conditions:
Inborn genetic diseases. Identifiers: MedGen C0950123, MeSH D030342.

gnomAD v4.1: 7 of 1,612,898 alleles (0.00043%); highest among the groups gnomAD compares: South Asian, 0.0077%; no homozygotes.

Submission:

Ambry Genetics
Classification: Uncertain significance for Inborn genetic diseases. Last evaluated: 2025-12-27. Review status: criteria provided, single submitter. Criteria: Ambry Variant Classification Scheme 2023. Collection method: clinical testing. Allele origin: germline.
Comment: The p.I566V variant (also known as c.1696A>G), located in coding exon 11 of the ERCC6L2 gene, results from an A to G substitution at nucleotide position 1696. The isoleucine at codon 566 is replaced by valine, an amino acid with highly similar properties. This amino acid position is conserved. In addition, this alteration is predicted to be tolerated by in silico analysis. Based on the available evidence, the clinical significance of this variant remains unclear.